The following is an entry in ClinVar:

ClinVar aggregate classification (germline): Uncertain significance (1 of 4 stars; one submission).

Conditions:
Primary ciliary dyskinesia. Also called: Ciliary dyskinesia. Identifiers: Orphanet 244, MedGen C0008780, MONDO:0016575, HP:0012265.

Submission:

Labcorp Genetics (formerly Invitae), Labcorp
Classification: Uncertain significance for Primary ciliary dyskinesia. Last evaluated: 2022-06-14. Review status: criteria provided, single submitter. Criteria: Invitae Variant Classification Sherloc (09022015). Collection method: clinical testing. Allele origin: germline.
Comment: This variant results in a copy number gain of the genomic region encompassing exon(s) 20 of the DNAI1 gene. This region includes the termination codon of the gene. This copy number gain extends beyond the assayed region for this gene and therefore may encompass additional genes. As the precise location of this event is unknown, it may be in tandem or it may be located elsewhere in the genome. This variant has not been reported in the literature in individuals affected with DNAI1-related conditions. Experimental studies and prediction algorithms are not available or were not evaluated, and the functional significance of this variant is currently unknown. In summary, the available evidence is currently insufficient to determine the role of this variant in disease. Therefore, it has been classified as a Variant of Uncertain Significance.

NC_000009.11:g.(?_34520636)_(34520754_?)dup

Gene: DNAI1 (dynein axonemal intermediate chain 1; plus strand). Cytogenetic location: 9p13.3.
Variant type: Duplication.
Identifiers: ClinVar variation 2425770 (VCV002425770.11).